The following is an entry in ClinVar:

ClinVar aggregate classification (germline): Uncertain significance (1 of 4 stars; one submission).

Allele frequency attached by ClinVar (database versions not stated): gnomAD exomes below 0.00001.
gnomAD v4.1: 1 of 1,614,214 alleles (0.000062%); highest among the groups gnomAD compares: Non-Finnish European, 0.000085%; no homozygotes.

Submission:

Ambry Genetics
Classification: Uncertain significance. Last evaluated: 2023-07-01. Review status: criteria provided, single submitter. Criteria: Ambry Variant Classification Scheme 2023. Collection method: clinical testing. Allele origin: germline.
Comment: The p.D441A variant (also known as c.1322A>C), located in coding exon 13 of the NPAT gene, results from an A to C substitution at nucleotide position 1322. The aspartic acid at codon 441 is replaced by alanine, an amino acid with dissimilar properties. This amino acid position is conserved. In addition, this alteration is predicted to be tolerated by in silico analysis. Since supporting evidence is limited at this time, the clinical significance of this alteration remains unclear.

NM_002519.3(NPAT):c.1322A>C (p.Asp441Ala)

Gene: NPAT (nuclear protein, coactivator of histone transcription; minus strand). Cytogenetic location: 11q22.3.
Variant type: single nucleotide variant.
Coding change: c.1322A>C on transcript NM_002519.3 (MANE Select); coding-DNA position 1322, A replaced by C.
Protein change: p.Asp441Ala; replaces aspartic acid 441 with alanine.
Molecular consequence: missense variant.
Genome position (GRCh38, 1-based): chr11:108,173,662, T>G on the plus strand (A>C on the coding strand, the complement: NPAT is on the minus strand). VCF-style: chr11-108173662-T-G. GRCh37 (hg19) VCF-style: chr11-108044389-T-G.
Other names: c.1322A>C, p.Asp441Ala (NM_001321307.1); short protein forms D441A.
Identifiers: ClinVar variation 2624987 (VCV002624987.2), dbSNP rs2496721759, ClinGen allele CA382515620.